The following is an entry in ClinVar:

ClinVar aggregate classification (germline): Uncertain significance (1 of 4 stars; one submission).

gnomAD v4.1: 2 of 1,612,296 alleles (0.00012%); highest among the groups gnomAD compares: African/African-American, 0.0013%; no homozygotes.

Submission:

Labcorp Genetics (formerly Invitae), Labcorp
Classification: Uncertain significance. Last evaluated: 2025-05-19. Review status: criteria provided, single submitter. Criteria: Invitae Variant Classification Sherloc (09022015). Collection method: clinical testing. Allele origin: germline.
Comment: This sequence change replaces threonine, which is neutral and polar, with isoleucine, which is neutral and non-polar, at codon 483 of the SLC12A6 protein (p.Thr483Ile). This variant is present in population databases (rs75162601, gnomAD 0.007%). This variant has not been reported in the literature in individuals affected with SLC12A6-related conditions. Invitae Evidence Modeling of protein sequence and biophysical properties (such as structural, functional, and spatial information, amino acid conservation, physicochemical variation, residue mobility, and thermodynamic stability) indicates that this missense variant is not expected to disrupt SLC12A6 protein function with a negative predictive value of 80%. In summary, the available evidence is currently insufficient to determine the role of this variant in disease. Therefore, it has been classified as a Variant of Uncertain Significance.

NM_001365088.1(SLC12A6):c.1448C>T (p.Thr483Ile)

Gene: SLC12A6 (solute carrier family 12 member 6; minus strand). Cytogenetic location: 15q14.
Variant type: single nucleotide variant.
Coding change: c.1448C>T on transcript NM_001365088.1 (MANE Select); coding-DNA position 1448, C replaced by T.
Protein change: p.Thr483Ile; replaces threonine 483 with isoleucine.
Molecular consequence: missense variant.
Genome position (GRCh38, 1-based): chr15:34,250,943, G>A on the plus strand (C>T on the coding strand, the complement: SLC12A6 is on the minus strand). VCF-style: chr15-34250943-G-A. GRCh37 (hg19) VCF-style: chr15-34543144-G-A.
Other names: c.1271C>T, p.Thr424Ile (NM_001042494.2, NM_001042495.2); c.1421C>T, p.Thr474Ile (NM_001042496.2); c.1403C>T, p.Thr468Ile (NM_001042497.2); c.1295C>T, p.Thr432Ile (NM_005135.2); c.1448C>T, p.Thr483Ile (NM_133647.2); short protein forms T424I, T432I, T483I, T468I, T474I.
Identifiers: ClinVar variation 4734107 (VCV004734107.1).